The following is an entry in ClinVar:

NM_001365902.3(NFIX):c.1247C>G (p.Thr416Ser)

Gene: NFIX (nuclear factor I X; plus strand). Cytogenetic location: 19p13.13.
Variant type: single nucleotide variant.
Coding change: c.1247C>G on transcript NM_001365902.3 (MANE Select); coding-DNA position 1247, C replaced by G.
Protein change: p.Thr416Ser; replaces threonine 416 with serine.
Molecular consequence: missense variant.
Genome position (GRCh38, 1-based): chr19:13,081,848, C>G. VCF-style: chr19-13081848-C-G. GRCh37 (hg19) VCF-style: chr19-13192662-C-G.
Other names: c.1271C>G, p.Thr424Ser (NM_001271043.2); c.1223C>G, p.Thr408Ser (NM_001271044.3, NM_001378404.1); c.1124C>G, p.Thr375Ser (NM_001365982.2); c.1106C>G, p.Thr369Ser (NM_001365983.2); c.1244C>G, p.Thr415Ser (NM_001365984.2, NM_001365985.2); c.1295C>G, p.Thr432Ser (NM_001378405.1); c.1247C>G, p.Thr416Ser (NM_002501.4); short protein forms T375S, T415S, T424S, T369S, T416S, T408S, T432S.
Identifiers: ClinVar variation 965765 (VCV000965765.6), dbSNP rs1459325680, ClinGen allele CA404304745.

ClinVar aggregate classification (germline): Uncertain significance (1 of 4 stars; one submission).

Conditions:
Marshall-Smith syndrome (MRSHSS). Identifiers: Orphanet 561, MedGen C0265211, MONDO:0011244, OMIM 602535.
Malan overgrowth syndrome (MALNS). Also called: MALAN SYNDROME; Sotos syndrome 2; NFIX-Related Malan Syndrome. Identifiers: Orphanet 420179, MedGen C3553660, MONDO:0013885, OMIM 614753.

Allele frequency attached by ClinVar (database versions not stated): gnomAD exomes below 0.00001 and 0.00001.
gnomAD v4.1: 14 of 1,613,870 alleles (0.00087%); highest among the groups gnomAD compares: Non-Finnish European, 0.0012%; no homozygotes.

Submission:

Labcorp Genetics (formerly Invitae), Labcorp
Classification: Uncertain significance for Malan overgrowth syndrome; Marshall-Smith syndrome. Last evaluated: 2021-08-27. Review status: criteria provided, single submitter. Criteria: Invitae Variant Classification Sherloc (09022015). Collection method: clinical testing. Allele origin: germline.
Comment: This sequence change replaces threonine with serine at codon 424 of the NFIX protein (p.Thr424Ser). The threonine residue is moderately conserved and there is a small physicochemical difference between threonine and serine. This variant is not present in population databases (ExAC no frequency). This variant has not been reported in the literature in individuals affected with NFIX-related conditions. Algorithms developed to predict the effect of missense changes on protein structure and function are either unavailable or do not agree on the potential impact of this missense change (SIFT: "Tolerated"; PolyPhen-2: "Not Available"; Align-GVGD: "Class C0"). In summary, the available evidence is currently insufficient to determine the role of this variant in disease. Therefore, it has been classified as a Variant of Uncertain Significance.